The following is an entry in ClinVar:

ClinVar aggregate classification (germline): Uncertain significance (1 of 4 stars; one submission).

Submission:

GeneDx
Classification: Uncertain significance. Last evaluated: 2024-05-06. Review status: criteria provided, single submitter. Criteria: GeneDx Variant Classification Process June 2021. Collection method: clinical testing. Allele origin: germline. Affected: yes.
Comment: Not observed at significant frequency in large population cohorts (gnomAD); In silico analysis indicates that this variant does not alter splicing; Has not been previously published as pathogenic or benign to our knowledge

NM_001145809.2(MYH14):c.1281C>A (p.Arg427=)

Gene: MYH14 (myosin heavy chain 14; plus strand). Cytogenetic location: 19q13.33.
Variant type: single nucleotide variant.
Coding change: c.1281C>A on transcript NM_001145809.2 (MANE Select); coding-DNA position 1281, C replaced by A.
Protein change: p.Arg427=; no amino-acid change (arginine 427 retained).
Molecular consequence: synonymous variant.
Genome position (GRCh38, 1-based): chr19:50,247,074, C>A. VCF-style: chr19-50247074-C-A. GRCh37 (hg19) VCF-style: chr19-50750331-C-A.
Other names: c.1281C>A, p.Arg427= (NM_001077186.2); c.1257C>A, p.Arg419= (NM_024729.4).
Identifiers: ClinVar variation 3375939 (VCV003375939.1).
Genomic context (GRCh38, chr19:50,247,074, plus strand): 5'-GCTCTGCCGCCTCTTGGGACTGGGGGTGACGGATTTCTCCCGAGCCTTGCTCACCCCTCG[C>A]ATCAAAGTTGGCCGAGACTATGTGCAGAAAGCCCAGACTAAGGAACAGGTAGGCGGGGCT-3'
Protein context (NP_001139281.1, residues 417-437): TDFSRALLTP[Arg427=]IKVGRDYVQK